The following is an entry in ClinVar:

NM_053025.4(MYLK):c.528G>T (p.Gln176His)

Gene: MYLK (myosin light chain kinase; minus strand). Cytogenetic location: 3q21.1.
Variant type: single nucleotide variant.
Coding change: c.528G>T on transcript NM_053025.4 (MANE Select); coding-DNA position 528, G replaced by T.
Protein change: p.Gln176His; replaces glutamine 176 with histidine.
Molecular consequence: missense variant. On other transcripts: 5 prime UTR variant (1).
Genome position (GRCh38, 1-based): chr3:123,738,957, C>A on the plus strand (G>T on the coding strand, the complement: MYLK is on the minus strand). VCF-style: chr3-123738957-C-A. GRCh37 (hg19) VCF-style: chr3-123457804-C-A.
Other names: c.528G>T, p.Gln176His (NM_053026.4, NM_053028.4, NM_053027.4); c.-1G>T (NM_001321309.2); short protein forms Q176H.
Identifiers: ClinVar variation 3297616 (VCV003297616.1).
Genomic context (GRCh38, chr3:123,738,957, plus strand): 5'-CTTGAGCCAGGTGACCTGCGGTTGGGGCCGGCCAGTGATCTTGCAGGAGAATCGTCCCAT[C>A]TGTCCTTCTTTGACCACAACTCGGCCCAGCTTGGTAGCAAACTTTGGTGGGCACTCCCCC-3'
Protein context (NP_444253.3, residues 166-186): KLGRVVVKEG[Gln176His]MGRFSCKITG

ClinVar aggregate classification (germline): Uncertain significance (1 of 4 stars; one submission).

Conditions:
Familial thoracic aortic aneurysm and aortic dissection (TAAD). Also called: Thoracic aortic aneurysms and dissections. Identifiers: Orphanet 91387, MedGen C4707243, MONDO:0019625.

gnomAD v4.1: 1 of 1,613,318 alleles (0.000062%); highest among the groups gnomAD compares: Non-Finnish European, 0.000085%; no homozygotes.

Submission:

Ambry Genetics
Classification: Uncertain significance for Familial thoracic aortic aneurysm and aortic dissection. Last evaluated: 2024-06-07. Review status: criteria provided, single submitter. Criteria: Ambry Variant Classification Scheme 2023. Collection method: clinical testing. Allele origin: germline.
Comment: The p.Q176H variant (also known as c.528G>T), located in coding exon 4 of the MYLK gene, results from a G to T substitution at nucleotide position 528. The glutamine at codon 176 is replaced by histidine, an amino acid with highly similar properties. This amino acid position is conserved. In addition, this alteration is predicted to be tolerated by in silico analysis. Based on the available evidence, the clinical significance of this variant remains unclear.